The following is an entry in ClinVar:

ClinVar aggregate classification (germline): Uncertain significance (1 of 4 stars; one submission).

Allele frequency attached by ClinVar (database versions not stated): ExAC 0.00004.
gnomAD v4.1: 2 of 1,498,164 alleles (0.00013%); highest among the groups gnomAD compares: Non-Finnish European, 0.00018%; no homozygotes.

Submission:

Labcorp Genetics (formerly Invitae), Labcorp
Classification: Uncertain significance. Last evaluated: 2022-02-09. Review status: criteria provided, single submitter. Criteria: Invitae Variant Classification Sherloc (09022015). Collection method: clinical testing. Allele origin: germline.
Comment: The frequency data for this variant in the population databases is considered unreliable, as metrics indicate poor data quality at this position in the gnomAD database. This variant has not been reported in the literature in individuals affected with PPCS-related conditions. Algorithms developed to predict the effect of missense changes on protein structure and function output the following: SIFT: "Tolerated"; PolyPhen-2: "Benign"; Align-GVGD: "Class C0". The serine amino acid residue is found in multiple mammalian species, which suggests that this missense change does not adversely affect protein function. In summary, the available evidence is currently insufficient to determine the role of this variant in disease. Therefore, it has been classified as a Variant of Uncertain Significance. This sequence change replaces alanine, which is neutral and non-polar, with serine, which is neutral and polar, at codon 8 of the PPCS protein (p.Ala8Ser).

NM_024664.4(PPCS):c.22G>T (p.Ala8Ser)

Genes: PPCS (phosphopantothenoylcysteine synthetase; plus strand), CCDC30 (coiled-coil domain containing 30; plus strand). Cytogenetic location: 1p34.2.
Variant type: single nucleotide variant.
Coding change: c.22G>T on transcript NM_024664.4 (MANE Select); coding-DNA position 22, G replaced by T.
Protein change: p.Ala8Ser; replaces alanine 8 with serine.
Molecular consequence: missense variant. On other transcripts: 5 prime UTR variant (3), intron variant (4).
Genome position (GRCh38, 1-based): chr1:42,456,587, G>T. VCF-style: chr1-42456587-G-T. GRCh37 (hg19) VCF-style: chr1-42922258-G-T.
Other names: c.-53G>T (NM_001077447.3); c.-149G>T (NM_001287508.2); c.-671G>T (NM_001287510.2); c.22G>T, p.Ala8Ser (NM_001287511.2); c.-984+88G>T (NM_001355226.2); c.-328+88G>T (NM_001287507.1); c.-12+88G>T (NM_001287506.1); c.-12+4G>T (NM_001287509.2); short protein forms A8S.
Identifiers: ClinVar variation 2095754 (VCV002095754.4), dbSNP rs777660196, ClinGen allele CA799884.
Genomic context (GRCh38, chr1:42,456,587, plus strand): 5'-GCCGCGAAACGTGCGCAGGCGCCGGCCGCTGCGCTGCAGATGGCGGAAATGGATCCGGTA[G>T]CCGAGTTCCCCCAGCCTCCCGGTGCTGCGCGCTGGGCTGAGGTTATGGCTCGCTTCGCGG-3'
Protein context (NP_078940.2, residues 1-18): MAEMDPV[Ala8Ser]EFPQPPGAAR